The following is an entry in ClinVar:

NM_000642.3(AGL):c.2681+1G>A

Gene: AGL (amylo-alpha-1,6-glucosidase and 4-alpha-glucanotransferase; plus strand). Cytogenetic location: 1p21.2.
Variant type: single nucleotide variant.
Coding change: c.2681+1G>A on transcript NM_000642.3 (MANE Select); the canonical splice donor site of the intron after coding-DNA position 2681, G replaced by A.
Molecular consequence: splice donor variant. On other transcripts: intron variant (1).
Genome position (GRCh38, 1-based): chr1:99,884,704, G>A. VCF-style: chr1-99884704-G-A. GRCh37 (hg19) VCF-style: chr1-100350260-G-A.
Other names: c.2681+1G>A (NM_000643.3, NM_000644.3, NM_001425326.1 and 2 more transcripts); c.2633+1G>A (NM_000646.3); c.2480+1G>A (NM_001425327.1); c.2477+1G>A (NM_001425328.1); c.2342+253G>A (NM_001425329.1); c.2303+1G>A (NM_001425332.1).
Identifiers: ClinVar variation 281229 (VCV000281229.29), dbSNP rs201201443, ClinGen allele CA966854.

ClinVar aggregate classification (germline): Pathogenic/Likely pathogenic. Review status: criteria provided, multiple submitters, no conflicts (2 of 4 stars). 13 submissions from 13 submitters: Pathogenic (11); Likely pathogenic (1). 1 of the submissions does not count toward it. Last evaluated 2026-04-22.

Conditions:
AGL-related disorder. Also called: AGL-related condition.
Glycogen storage disease type III (GSD3). Also called: FORBES DISEASE; Cori disease. Identifiers: Orphanet 366, MedGen C0017922, MONDO:0009291, OMIM 232400.
Glycogen storage disease. Also called: glycogen storage disorder; Disorder of glycogen metabolism. Identifiers: Orphanet 79201, MedGen C0017919, MONDO:0002412.

Allele frequency attached by ClinVar (database versions not stated): TOPMed 0.00001; gnomAD 0.00003; 1000 Genomes Project 30x 0.00016; 1000 Genomes Project 0.00020.

Submissions (13):

Genetics Laboratory, Great Ormond Street Hospital NHS Foundation Trust, North Thames Genomic Laboratory Hub
Classification: Pathogenic for Glycogen storage disease. Last evaluated: 2026-04-22. Review status: criteria provided, single submitter. Criteria: ACGS Best Practice Guidelines for Variant Classification in Rare Disease 2024 v1.2. Collection method: clinical testing. Allele origin: germline. Affected: yes.
Comment: PM2_moderate, PVS1_very-strong, PM3_strong, PP4_supporting

Natera, Inc.
Classification: Pathogenic for Glycogen storage disease type III. Last evaluated: 2025-11-05. Review status: criteria provided, single submitter. Criteria: Natera Variant Classification Schema (03/2026). Collection method: clinical testing. Allele origin: germline.
Comment: The c.2681+1G>A variant in AGL is a canonical splice donor site variant predicted to affect pre-mRNA splicing, which may result in an abnormal transcript and altered protein product. This variant may result in a truncated or dysfunctional protein product. This variant is rare in the general population with a frequency below the threshold expected for the associated phenotype(s). This variant has been observed in one or more individuals affected with the associated recessive disease, as either homozygous or compound heterozygous with a second variant (PMID: 31028654). Functional studies show that this variant may disrupt protein function (PMID: 31028654). Given the available evidence, this variant is classified as Pathogenic.

3billion
Classification: Pathogenic for Glycogen storage disease type III. Last evaluated: 2025-04-03. Review status: criteria provided, single submitter. Criteria: ACMG Guidelines, 2015. Collection method: clinical testing. Allele origin: germline. Affected: yes.
Comment: The variant is observed at an extremely low frequency in the gnomAD v4.1.0 dataset (total allele frequency: 0.002%). Predicted Consequence/Location: Canonical splice site: predicted to alter splicing and result in a loss or disruption of normal protein function. Multiple pathogenic loss-of-function variants are reported downstream of the variant. The variant has been reported at least twice as pathogenic with clinical assertions and evidence for the classification (ClinVar ID: VCV000281229 / PMID: 10472540 / 3billion dataset). Therefore, this variant is classified as Pathogenic according to the recommendation of ACMG/AMP guideline.

Labcorp Genetics (formerly Invitae), Labcorp
Classification: Pathogenic for Glycogen storage disease type III. Last evaluated: 2024-08-09. Review status: criteria provided, single submitter. Criteria: Invitae Variant Classification Sherloc (09022015). Collection method: clinical testing. Allele origin: germline.
Comment: This sequence change affects a donor splice site in intron 20 of the AGL gene. It is expected to disrupt RNA splicing. Variants that disrupt the donor or acceptor splice site typically lead to a loss of protein function (PMID: 16199547), and loss-of-function variants in AGL are known to be pathogenic (PMID: 19299494). The frequency data for this variant in the population databases is considered unreliable, as metrics indicate poor data quality at this position in the gnomAD database. Disruption of this splice site has been observed in individuals with glycogen storage disease (PMID: 10472540, 16705713). ClinVar contains an entry for this variant (Variation ID: 281229). Algorithms developed to predict the effect of sequence changes on RNA splicing suggest that this variant may disrupt the consensus splice site. For these reasons, this variant has been classified as Pathogenic.

Baylor Genetics
Classification: Pathogenic for Glycogen storage disease type III. Last evaluated: 2024-02-22. Review status: criteria provided, single submitter. Criteria: ACMG Guidelines, 2015. Collection method: clinical testing. Allele origin: unknown.

PreventionGenetics, part of Exact Sciences
Classification: Pathogenic for AGL-related condition. Last evaluated: 2022-11-16. Review status: criteria provided, single submitter. Criteria: ACMG Guidelines, 2015. Collection method: clinical testing. Allele origin: germline.
Comment: The AGL c.2681+1G>A variant is predicted to disrupt the GT donor site and interfere with normal splicing. This variant has been reported in the homozygous and compound heterozygous states in individuals with glycogen storage disease III (Patient 2, Hadjigeorgiou et al. 1999. PubMed ID: 10472540; Lucchiari et al. 2006. PubMed ID: 16705713; Abdullah et al. 2019. PubMed ID: 31028654). This variant was also reported in the heterozygous state in an individual with glycogen storage disease III and was also identified in that patient's affected sister (Patient 3, Hadjigeorgiou et al. 1999. PubMed ID: 10472540). Functional studies have shown that the c.2681+1G>A variant leads to abnormal splicing (Hadjigeorgiou et al. 1999. PubMed ID: 10472540; Abdullah et al. 2019. PubMed ID: 31028654). Of note, another variant impacting the same splice site, c.2681+1G>T, has also been reported in individuals with glycogen storage disease III (Goldstein et al. 2010. PubMed ID: 20648714; Supplemental Table S2, Hijazi et al. 2021. PubMed ID: 34820282). This variant is reported in 0.015% of alleles in individuals of East Asian descent in gnomAD. Variants that disrupt the consensus splice donor site in AGL are expected to be pathogenic. Taken together, this variant is interpreted as pathogenic.

Fulgent Genetics
Classification: Pathogenic for Glycogen storage disease type III. Last evaluated: 2022-02-08. Review status: criteria provided, single submitter. Criteria: ACMG Guidelines, 2015. Collection method: clinical testing. Allele origin: unknown.

Blueprint Genetics
Classification: Likely pathogenic for AGL-related disorders. Last evaluated: 2021-09-13. Review status: criteria provided, single submitter. Criteria: ACMG Guidelines, 2015. Collection method: clinical testing. Allele origin: germline. Affected: yes. Observed: 1 variant allele.

Genome-Nilou Lab
Classification: Pathogenic for Glycogen storage disease type III. Last evaluated: 2021-07-15. Review status: criteria provided, single submitter. Criteria: ACMG Guidelines, 2015. Collection method: clinical testing. Allele origin: germline. Affected: no.

Women's Health and Genetics/Laboratory Corporation of America, LabCorp
Classification: Pathogenic for Glycogen storage disease type III. Last evaluated: 2020-04-24. Review status: criteria provided, single submitter. Criteria: LabCorp Variant Classification Summary - May 2015. Collection method: clinical testing. Allele origin: germline.
Comment: Variant summary: AGL c.2681+1G>A is located in a canonical splice-site and is predicted to affect mRNA splicing resulting in a significantly altered protein due to either exon skipping, shortening, or inclusion of intronic material. Several computational tools predict a significant impact on normal splicing: Four predict the variant abolishes a 5 splicing donor site. At least one publication reports experimental evidence that this variant affects mRNA splicing and results in exon 21 skipping (Hadjigeorgiou_AGL_JIMD_1999). The variant allele was found at a frequency of 3.2e-05 in 251020 control chromosomes (gnomAD). c.2681+1G>A has been reported in the literature in multiple individuals affected with Glycogen Storage Disease Type III (Hadjigeorgiou_1999, Lucchiari_2007). These data indicate that the variant is very likely to be associated with disease. AGL activity and protein were found to be almost absent in patients muscle specimens (Hadjigeorgiou_1999). Two ClinVar submitters (evaluation after 2014) cite the variant as pathogenic. Based on the evidence outlined above, the variant was classified as pathogenic.

Eurofins Ntd Llc (ga)
Classification: Pathogenic. Last evaluated: 2016-07-11. Review status: criteria provided, single submitter. Criteria: EGL Classification Definitions 2015. Collection method: clinical testing. Allele origin: germline. Observed: 1 variant allele, 1 heterozygote.

Juno Genomics, Hangzhou Juno Genomics, Inc
Classification: Pathogenic for Glycogen storage disease type III. Review status: criteria provided, single submitter. Criteria: ACMG Guidelines, 2015. Collection method: clinical testing. Allele origin: germline.
Comment: Absent from controls (or at extremely low frequency if recessive) in Genome Aggregation Database.;For recessive disorders, detected in trans with a pathogenic variant.

Counsyl
Classification: Pathogenic for Glycogen storage disease type III. Last evaluated: 2014-01-02. Review status: no assertion criteria provided. Collection method: clinical testing. Allele origin: unknown. Not counted in ClinVar's aggregate classification.

Literature cited by the submitters: PubMed 31028654 (cited by Natera, Inc.); PubMed 10472540 (cited by 4 submitters); PubMed 16199547 (cited by Labcorp Genetics (formerly Invitae), Labcorp); PubMed 19299494 (cited by Labcorp Genetics (formerly Invitae), Labcorp); PubMed 16705713 (cited by Labcorp Genetics (formerly Invitae), Labcorp and Counsyl); PubMed 17915576 (cited by Women's Health and Genetics/Laboratory Corporation of America, LabCorp).